The following is an entry in ClinVar:

NM_000256.3(MYBPC3):c.2326G>A (p.Ala776Thr)

Gene: MYBPC3 (myosin binding protein C3; minus strand). Cytogenetic location: 11p11.2.
Variant type: single nucleotide variant.
Coding change: c.2326G>A on transcript NM_000256.3 (MANE Select); coding-DNA position 2326, G replaced by A.
Protein change: p.Ala776Thr; replaces alanine 776 with threonine.
Molecular consequence: missense variant.
Genome position (GRCh38, 1-based): chr11:47,337,777, C>T on the plus strand (G>A on the coding strand, the complement: MYBPC3 is on the minus strand). VCF-style: chr11-47337777-C-T. GRCh37 (hg19) VCF-style: chr11-47359328-C-T.
Other names: c.2326G>A, p.Ala776Thr (LRG_386t1); short protein forms A776T.
Identifiers: ClinVar variation 660384 (VCV000660384.10), dbSNP rs1247018816, ClinGen allele CA380319099.

ClinVar aggregate classification (germline): Uncertain significance. Review status: criteria provided, multiple submitters, no conflicts (2 of 4 stars). 2 submissions from 2 submitters: Uncertain significance (2). Last evaluated 2024-07-15.

Conditions:
Hypertrophic cardiomyopathy. Also called: HYPERTROPHIC MYOCARDIOPATHY. Identifiers: Orphanet 217569, MedGen C0007194, MeSH D002312, MONDO:0005045, HP:0001639.
Cardiomyopathy (CMYO). Also called: Cardiomyopathies. Identifiers: Orphanet 167848, MedGen C0878544, MONDO:0004994, HP:0001638. Inheritance: Various modes of inheritance.

Allele frequency attached by ClinVar (database versions not stated): gnomAD exomes below 0.00001.
gnomAD v4.1: 2 of 1,552,284 alleles (0.00013%); highest among the groups gnomAD compares: South Asian, 0.0012%; no homozygotes.

Submissions (2):

Color Diagnostics, LLC DBA Color Health
Classification: Uncertain significance for Cardiomyopathy. Last evaluated: 2024-07-15. Review status: criteria provided, single submitter. Criteria: ACMG Guidelines, 2015. Collection method: clinical testing. Allele origin: germline.
Comment: This missense variant replaces alanine with threonine at codon 776 of the MYBPC3 protein. Computational prediction suggests that this variant may not impact protein structure and function (internally defined REVEL score threshold <= 0.5, PMID: 27666373). To our knowledge, functional studies have not been reported for this variant. This variant has not been reported in individuals affected with MYBPC3-related disorders in the literature. This variant has not been identified in the general population by the Genome Aggregation Database (gnomAD). The available evidence is insufficient to determine the role of this variant in disease conclusively. Therefore, this variant is classified as a Variant of Uncertain Significance.

Labcorp Genetics (formerly Invitae), Labcorp
Classification: Uncertain significance for Hypertrophic cardiomyopathy. Last evaluated: 2018-07-09. Review status: criteria provided, single submitter. Criteria: Invitae Variant Classification Sherloc (09022015). Collection method: clinical testing. Allele origin: germline.
Comment: In summary, the available evidence is currently insufficient to determine the role of this variant in disease. Therefore, it has been classified as a Variant of Uncertain Significance. Algorithms developed to predict the effect of missense changes on protein structure and function (SIFT, PolyPhen-2, Align-GVGD) all suggest that this variant is likely to be tolerated, but these predictions have not been confirmed by published functional studies and their clinical significance is uncertain. This sequence change replaces alanine with threonine at codon 776 of the MYBPC3 protein (p.Ala776Thr). The alanine residue is moderately conserved and there is a small physicochemical difference between alanine and threonine. This variant has not been reported in the literature in individuals with MYBPC3-related disease. This variant is not present in population databases (ExAC no frequency).